The following is an entry in ClinVar:

NM_005612.5(REST):c.858C>G (p.Asp286Glu)

Gene: REST (RE1 silencing transcription factor; plus strand). Cytogenetic location: 4q12.
Variant type: single nucleotide variant.
Coding change: c.858C>G on transcript NM_005612.5 (MANE Select); coding-DNA position 858, C replaced by G.
Protein change: p.Asp286Glu; replaces aspartic acid 286 with glutamic acid.
Molecular consequence: missense variant.
Genome position (GRCh38, 1-based): chr4:56,911,496, C>G. VCF-style: chr4-56911496-C-G. GRCh37 (hg19) VCF-style: chr4-57777662-C-G.
Other names: c.858C>G, p.Asp286Glu (NM_001193508.2, NM_001363453.3); short protein forms D286E.
Identifiers: ClinVar variation 1014477 (VCV001014477.9), dbSNP rs1160091901, ClinGen allele CA357004992.

ClinVar aggregate classification (germline): Uncertain significance (1 of 4 stars; one submission).

Submission:

Labcorp Genetics (formerly Invitae), Labcorp
Classification: Uncertain significance. Last evaluated: 2020-01-13. Review status: criteria provided, single submitter. Criteria: Invitae Variant Classification Sherloc (09022015). Collection method: clinical testing. Allele origin: germline.
Comment: This sequence change replaces aspartic acid with glutamic acid at codon 286 of the REST protein (p.Asp286Glu). The aspartic acid residue is highly conserved and there is a small physicochemical difference between aspartic acid and glutamic acid. This variant is not present in population databases (ExAC no frequency). In summary, the available evidence is currently insufficient to determine the role of this variant in disease. Therefore, it has been classified as a Variant of Uncertain Significance. Algorithms developed to predict the effect of missense changes on protein structure and function (SIFT, PolyPhen-2, Align-GVGD) all suggest that this variant is likely to be disruptive, but these predictions have not been confirmed by published functional studies and their clinical significance is uncertain. This variant has not been reported in the literature in individuals with REST-related conditions.